The following is an entry in ClinVar:

ClinVar aggregate classification (germline): Benign. Review status: criteria provided, multiple submitters, no conflicts (2 of 4 stars). 3 submissions from 2 submitters: Benign (3). Last evaluated 2018-01-13.

Conditions:
Nephropathic cystinosis (CTNS). Also called: CYSTINOSIN, DEFECT OF; LYSOSOMAL CYSTINE TRANSPORT PROTEIN, DEFECT OF; Abderhalden Lignac Kaufmann disease; Abderhalden-Kaufmann-Lignac syndrome. Identifiers: Orphanet 213, Orphanet 411629, MedGen C2931187, MONDO:0100151, OMIM 219800.
Ocular cystinosis. Also called: Non-Nephropathic (Ocular) Cystinosis; Non-Nephropathic Cystinosis. Identifiers: Orphanet 213, Orphanet 411641, MedGen C2931013, MONDO:0009064, OMIM 219750.

Allele frequency attached by ClinVar (database versions not stated): gnomAD 0.13235 and 0.13547; TOPMed 0.13796; 1000 Genomes Project 30x 0.17130; 1000 Genomes Project 0.17232.

Submissions (3):

Illumina Laboratory Services, Illumina
Classification: Benign for Ocular cystinosis. Last evaluated: 2018-01-13. Review status: criteria provided, single submitter. Criteria: ICSL Variant Classification Criteria 13 December 2019. Collection method: clinical testing. Allele origin: germline.
Comment: This variant was observed in the ICSL laboratory as part of a predisposition screen in an ostensibly healthy population. It had not been previously curated by ICSL or reported in the Human Gene Mutation Database (HGMD: prior to June 1st, 2018), and was therefore a candidate for classification through an automated scoring system. Utilizing variant allele frequency, disease prevalence and penetrance estimates, and inheritance mode, an automated score was calculated to assess if this variant is too frequent to cause the disease. Based on the score and internal cut-off values, a variant classified as benign is not then subjected to further curation. The score for this variant resulted in a classification of benign for this disease.

Illumina Laboratory Services, Illumina
Classification: Benign for Nephropathic cystinosis. Last evaluated: 2018-01-13. Review status: criteria provided, single submitter. Criteria: ICSL Variant Classification Criteria 13 December 2019. Collection method: clinical testing. Allele origin: germline.
Comment: the same text as in the submission from Illumina Laboratory Services, Illumina above.

Breakthrough Genomics
Classification: Benign. Review status: criteria provided, single submitter. Criteria: ACMG Guidelines, 2015. Collection method: not provided. Allele origin: germline. Inheritance: Autosomal recessive inheritance. Affected: yes.

NM_004937.3(CTNS):c.*2546G>C

Genes: CTNS (cystinosin, lysosomal cystine transporter; plus strand), P2RX5-TAX1BP3 (P2RX5-TAX1BP3 readthrough (NMD candidate); minus strand), TAX1BP3 (Tax1 binding protein 3; minus strand). Cytogenetic location: 17p13.2.
Variant type: single nucleotide variant.
Coding change: c.*2546G>C on transcript NM_004937.3 (MANE Select); 2546 bases downstream of the stop codon, G replaced by C.
Molecular consequence: 3 prime UTR variant. On other transcripts: non-coding transcript variant (1).
Genome position (GRCh38, 1-based): chr17:3,662,915, G>C. VCF-style: chr17-3662915-G-C. GRCh37 (hg19) VCF-style: chr17-3566209-G-C.
Other names: c.*2546G>C (NM_001374496.1, NM_001374493.1, NM_001374494.1 and 1 more transcripts); c.*833C>G (NM_001204698.2, NM_014604.4); c.*2181G>C (NM_001031681.3, NM_001374492.1).
Identifiers: ClinVar variation 322918 (VCV000322918.6), dbSNP rs1128109, ClinGen allele CA10649131.
Genomic context (GRCh38, chr17:3,662,915, plus strand): 5'-CACCCCGATATCCCAGCCCATGCCTCAGCAAAGCCCCCTGTGAATTCCAGCATTTTTATT[G>C]AGCGCACCACATCGGGGAGGGGCGGCAGTGGTTTCCACGGTAACCAAAGTAAGGCTTGTG-3'